The following is an entry in ClinVar:

ClinVar aggregate classification (germline): Uncertain significance (1 of 4 stars; one submission).

gnomAD v4.1: 13 of 1,598,790 alleles (0.00081%); highest among the groups gnomAD compares: Non-Finnish European, 0.0011%; no homozygotes.

Submission:

Labcorp Genetics (formerly Invitae), Labcorp
Classification: Uncertain significance. Last evaluated: 2024-06-10. Review status: criteria provided, single submitter. Criteria: Invitae Variant Classification Sherloc (09022015). Collection method: clinical testing. Allele origin: germline.
Comment: This sequence change falls in intron 2 of the MCM4 gene. It does not directly change the encoded amino acid sequence of the MCM4 protein. It affects a nucleotide within the consensus splice site. This variant is present in population databases (rs771255649, gnomAD 0.0009%). This variant has not been reported in the literature in individuals affected with MCM4-related conditions. Variants that disrupt the consensus splice site are a relatively common cause of aberrant splicing (PMID: 17576681, 9536098). Algorithms developed to predict the effect of sequence changes on RNA splicing suggest that this variant is not likely to affect RNA splicing. In summary, the available evidence is currently insufficient to determine the role of this variant in disease. Therefore, it has been classified as a Variant of Uncertain Significance.

Literature cited by the submitters: PubMed 17576681; PubMed 9536098.

NM_182746.3(MCM4):c.235+6T>A

Gene: MCM4 (minichromosome maintenance complex component 4; plus strand). Cytogenetic location: 8q11.21.
Variant type: single nucleotide variant.
Coding change: c.235+6T>A on transcript NM_182746.3 (MANE Select); 6 bases into the intron after coding-DNA position 235, T replaced by A.
Molecular consequence: intron variant.
Genome position (GRCh38, 1-based): chr8:47,961,686, T>A. VCF-style: chr8-47961686-T-A. GRCh37 (hg19) VCF-style: chr8-48874246-T-A.
Other names: c.235+6T>A (NM_005914.4).
Identifiers: ClinVar variation 3700805 (VCV003700805.2).